The following is an entry in ClinVar:

NM_004813.4(PEX16):c.694+3A>G

Gene: PEX16 (peroxisomal biogenesis factor 16; minus strand). Cytogenetic location: 11p11.2.
Variant type: single nucleotide variant.
Coding change: c.694+3A>G on transcript NM_004813.4 (MANE Select); 3 bases into the intron after coding-DNA position 694, A replaced by G.
Molecular consequence: intron variant.
Genome position (GRCh38, 1-based): chr11:45,914,313, T>C on the plus strand (A>G on the coding strand, the complement: PEX16 is on the minus strand). VCF-style: chr11-45914313-T-C. GRCh37 (hg19) VCF-style: chr11-45935864-T-C.
Other names: c.694+3A>G (NM_057174.3).
Identifiers: ClinVar variation 3638153 (VCV003638153.2).

ClinVar aggregate classification (germline): Uncertain significance (1 of 4 stars; one submission).

Conditions:
Peroxisome biogenesis disorder. Identifiers: Orphanet 79189, MedGen C1832200, MONDO:0019234. Disease mechanism: loss of function.

Submission:

Labcorp Genetics (formerly Invitae), Labcorp
Classification: Uncertain significance for Peroxisome biogenesis disorder. Last evaluated: 2024-06-17. Review status: criteria provided, single submitter. Criteria: Invitae Variant Classification Sherloc (09022015). Collection method: clinical testing. Allele origin: germline.
Comment: This sequence change falls in intron 7 of the PEX16 gene. It does not directly change the encoded amino acid sequence of the PEX16 protein. It affects a nucleotide within the consensus splice site. This variant is not present in population databases (gnomAD no frequency). This variant has not been reported in the literature in individuals affected with PEX16-related conditions. Variants that disrupt the consensus splice site are a relatively common cause of aberrant splicing (PMID: 17576681, 9536098). Algorithms developed to predict the effect of sequence changes on RNA splicing suggest that this variant may disrupt the consensus splice site. In summary, the available evidence is currently insufficient to determine the role of this variant in disease. Therefore, it has been classified as a Variant of Uncertain Significance.

Literature cited by the submitters: PubMed 17576681; PubMed 9536098.